The following is an entry in ClinVar:

ClinVar aggregate classification (germline): Uncertain significance (1 of 4 stars; one submission).

Conditions:
Sulfite oxidase deficiency due to molybdenum cofactor deficiency type A. Also called: Molybdenum cofactor deficiency, complementation group A; Molybdenum Cofactor Deficiency A. Identifiers: Orphanet 308386, Orphanet 833, MedGen C1854988, MONDO:0009643, OMIM 252150.

Allele frequency attached by ClinVar (database versions not stated): ExAC 0.00002; gnomAD 0.00007; TOPMed 0.00007; ESP Exome Variant Server 0.00008; 1000 Genomes Project 0.00020; 1000 Genomes Project 30x 0.00031.
gnomAD v4.1: 22 of 1,613,514 alleles (0.0014%); highest among the groups gnomAD compares: African/African-American, 0.028%; no homozygotes.

Submission:

Labcorp Genetics (formerly Invitae), Labcorp
Classification: Uncertain significance for Sulfite oxidase deficiency due to molybdenum cofactor deficiency type A. Last evaluated: 2022-05-30. Review status: criteria provided, single submitter. Criteria: Invitae Variant Classification Sherloc (09022015). Collection method: clinical testing. Allele origin: germline.
Comment: This sequence change falls in intron 3 of the MOCS1 gene. It does not directly change the encoded amino acid sequence of the MOCS1 protein. It affects a nucleotide within the consensus splice site. The frequency data for this variant in the population databases is considered unreliable, as metrics indicate poor data quality at this position in the gnomAD database. This variant has not been reported in the literature in individuals affected with MOCS1-related conditions. Variants that disrupt the consensus splice site are a relatively common cause of aberrant splicing (PMID: 17576681, 9536098). In summary, the available evidence is currently insufficient to determine the role of this variant in disease. Therefore, it has been classified as a Variant of Uncertain Significance.

Literature cited by the submitters: PubMed 17576681; PubMed 9536098.

NM_001358530.2(MOCS1):c.419-3C>A

Gene: MOCS1 (molybdenum cofactor synthesis 1; minus strand). Cytogenetic location: 6p21.2.
Variant type: single nucleotide variant.
Coding change: c.419-3C>A on transcript NM_001358530.2 (MANE Select); 3 bases into the intron before coding-DNA position 419, C replaced by A.
Molecular consequence: intron variant.
Genome position (GRCh38, 1-based): chr6:39,916,235, G>T on the plus strand (C>A on the coding strand, the complement: MOCS1 is on the minus strand). VCF-style: chr6-39916235-G-T. GRCh37 (hg19) VCF-style: chr6-39883979-G-T.
Other names: c.158-3C>A (NM_001358531.2, NM_001358533.2, NM_001358534.2); c.419-3C>A (NM_001358529.2, NM_001075098.4, NM_005943.6).
Identifiers: ClinVar variation 2079464 (VCV002079464.1), dbSNP rs372400366, ClinGen allele CA3796284.